The following is an entry in ClinVar:

ClinVar aggregate classification (germline): Uncertain significance (1 of 4 stars; one submission).

Conditions:
Developmental and epileptic encephalopathy, 9 (DEE9). Also called: Early infantile epileptic encephalopathy 9; EPILEPSY, FEMALE-RESTRICTED, WITH MENTAL RETARDATION; JUBERG-HELLMAN SYNDROME; PCDH19-Related X-Linked Female-Limited Epilepsy with Mental Retardation. Identifiers: Orphanet 101039, Orphanet 2076, MedGen C1848137, MONDO:0010246, OMIM 300088. Disease mechanism: loss of function.

Submission:

Labcorp Genetics (formerly Invitae), Labcorp
Classification: Uncertain significance for Developmental and epileptic encephalopathy, 9. Last evaluated: 2022-10-28. Review status: criteria provided, single submitter. Criteria: Invitae Variant Classification Sherloc (09022015). Collection method: clinical testing. Allele origin: germline.
Comment: Advanced modeling of protein sequence and biophysical properties (such as structural, functional, and spatial information, amino acid conservation, physicochemical variation, residue mobility, and thermodynamic stability) performed at Invitae indicates that this missense variant is not expected to disrupt PCDH19 protein function. In summary, the available evidence is currently insufficient to determine the role of this variant in disease. Therefore, it has been classified as a Variant of Uncertain Significance. ClinVar contains an entry for this variant (Variation ID: 947224). This variant has not been reported in the literature in individuals affected with PCDH19-related conditions. This variant is not present in population databases (gnomAD no frequency). This sequence change replaces glutamic acid, which is acidic and polar, with aspartic acid, which is acidic and polar, at codon 918 of the PCDH19 protein (p.Glu918Asp).

NM_001184880.2(PCDH19):c.2754G>T (p.Glu918Asp)

Gene: PCDH19 (protocadherin 19; minus strand). Cytogenetic location: Xq22.1.
Variant type: single nucleotide variant.
Coding change: c.2754G>T on transcript NM_001184880.2 (MANE Select); coding-DNA position 2754, G replaced by T.
Protein change: p.Glu918Asp; replaces glutamic acid 918 with aspartic acid.
Molecular consequence: missense variant.
Genome position (GRCh38, 1-based): chrX:100,341,997, C>A on the plus strand (G>T on the coding strand, the complement: PCDH19 is on the minus strand). VCF-style: chrX-100341997-C-A. GRCh37 (hg19) VCF-style: chrX-99596995-C-A.
Other names: c.2613G>T, p.Glu871Asp (NM_001105243.2); c.2610G>T, p.Glu870Asp (NM_020766.3); short protein forms E918D, E870D, E871D.
Identifiers: ClinVar variation 947224 (VCV000947224.10), dbSNP rs1926264482, ClinGen allele CA414000045.